The following is an entry in ClinVar:

ClinVar aggregate classification (germline): Uncertain significance (1 of 4 stars; one submission).

Conditions:
Cortical dysplasia-focal epilepsy syndrome (PTHSL1). Also called: Pitt-Hopkins-like syndrome 1. Identifiers: Orphanet 163681, Orphanet 221150, MedGen C2750246, MONDO:0012400, OMIM 610042.

Allele frequency attached by ClinVar (database versions not stated): gnomAD exomes 0.00001.
gnomAD v4.1: 4 of 1,614,008 alleles (0.00025%); highest among the groups gnomAD compares: Admixed American, 0.005%; no homozygotes.

Submission:

Labcorp Genetics (formerly Invitae), Labcorp
Classification: Uncertain significance for Cortical dysplasia-focal epilepsy syndrome. Last evaluated: 2021-12-22. Review status: criteria provided, single submitter. Criteria: Invitae Variant Classification Sherloc (09022015). Collection method: clinical testing. Allele origin: germline.
Comment: This sequence change replaces proline, which is neutral and non-polar, with leucine, which is neutral and non-polar, at codon 616 of the CNTNAP2 protein (p.Pro616Leu). This variant is not present in population databases (gnomAD no frequency). This variant has not been reported in the literature in individuals affected with CNTNAP2-related conditions. Algorithms developed to predict the effect of missense changes on protein structure and function are either unavailable or do not agree on the potential impact of this missense change (SIFT: "Deleterious"; PolyPhen-2: "Benign"; Align-GVGD: "Class C0"). In summary, the available evidence is currently insufficient to determine the role of this variant in disease. Therefore, it has been classified as a Variant of Uncertain Significance.

NM_014141.6(CNTNAP2):c.1847C>T (p.Pro616Leu)

Gene: CNTNAP2 (contactin associated protein 2; plus strand). Cytogenetic location: 7q35.
Variant type: single nucleotide variant.
Coding change: c.1847C>T on transcript NM_014141.6 (MANE Select); coding-DNA position 1847, C replaced by T.
Protein change: p.Pro616Leu; replaces proline 616 with leucine.
Molecular consequence: missense variant.
Genome position (GRCh38, 1-based): chr7:147,562,207, C>T. VCF-style: chr7-147562207-C-T. GRCh37 (hg19) VCF-style: chr7-147259299-C-T.
Other names: short protein forms P616L.
Identifiers: ClinVar variation 2181292 (VCV002181292.4), dbSNP rs2535940807, ClinGen allele CA369926663.